The following is an entry in ClinVar:

NM_001206927.2(DNAH8):c.9427C>T (p.Arg3143Cys)

Genes: DNAH8 (dynein axonemal heavy chain 8; plus strand), DNAH8-AS1 (DNAH8 antisense RNA 1; minus strand). Cytogenetic location: 6p21.2.
Variant type: single nucleotide variant.
Coding change: c.9427C>T on transcript NM_001206927.2 (MANE Select); coding-DNA position 9427, C replaced by T.
Protein change: p.Arg3143Cys; replaces arginine 3143 with cysteine.
Molecular consequence: missense variant.
Genome position (GRCh38, 1-based): chr6:38,908,034, C>T. VCF-style: chr6-38908034-C-T. GRCh37 (hg19) VCF-style: chr6-38875810-C-T.
Other names: c.8776C>T, p.Arg2926Cys (NM_001371.4); short protein forms R2926C, R3143C.
Identifiers: ClinVar variation 641999 (VCV000641999.20), dbSNP rs151313083, ClinGen allele CA3790470.
Genomic context (GRCh38, chr6:38,908,034, plus strand): 5'-CGAGATGAGATGGATGAAATCACCCAAGGTCTGATTTCAGTGATGAAGAGGGAGCTACCT[C>T]GCCATCCTCCTACCTTTGATAATTTGTATGAATACTTCATTTCAAGATCAAGGAAGAACT-3'
Protein context (NP_001193856.1, residues 3133-3153): LISVMKRELP[Arg3143Cys]HPPTFDNLYE

ClinVar aggregate classification (germline): Uncertain significance. Review status: criteria provided, multiple submitters, no conflicts (2 of 4 stars). 5 submissions from 5 submitters: Uncertain significance (4). 1 of the submissions does not count toward it. Last evaluated 2025-12-28.

Conditions:
DNAH8-related disorder. Also called: DNAH8-related condition.
Primary ciliary dyskinesia. Also called: Ciliary dyskinesia. Identifiers: Orphanet 244, MedGen C0008780, MONDO:0016575, HP:0012265.
Spermatogenic failure 46. Identifiers: MedGen C5436799, MONDO:0033673, OMIM 619095.

Allele frequency attached by ClinVar (database versions not stated): gnomAD exomes 0.00006 and 0.00010; 1000 Genomes Project 30x 0.00016; 1000 Genomes Project 0.00020; ESP Exome Variant Server 0.00023; gnomAD 0.00046 and 0.00048; TOPMed 0.00046; ExAC 0.00006.
gnomAD v4.1: 158 of 1,612,448 alleles (0.0098%); highest among the groups gnomAD compares: African/African-American, 0.15%; no homozygotes.

Submissions (5):

Labcorp Genetics (formerly Invitae), Labcorp
Classification: Uncertain significance for Primary ciliary dyskinesia. Last evaluated: 2025-12-28. Review status: criteria provided, single submitter. Criteria: Invitae Variant Classification Sherloc (09022015). Collection method: clinical testing. Allele origin: germline.
Comment: This sequence change replaces arginine, which is basic and polar, with cysteine, which is neutral and slightly polar, at codon 3143 of the DNAH8 protein (p.Arg3143Cys). This variant is present in population databases (rs151313083, gnomAD 0.1%). This missense change has been observed in individual(s) with DNAH8-related conditions (PMID: 32619401). ClinVar contains an entry for this variant (Variation ID: 641999). Invitae Evidence Modeling of protein sequence and biophysical properties (such as structural, functional, and spatial information, amino acid conservation, physicochemical variation, residue mobility, and thermodynamic stability) indicates that this missense variant is not expected to disrupt DNAH8 protein function with a negative predictive value of 80%. In summary, the available evidence is currently insufficient to determine the role of this variant in disease. Therefore, it has been classified as a Variant of Uncertain Significance.

PreventionGenetics, part of Exact Sciences
Classification: Uncertain significance for DNAH8-related condition. Last evaluated: 2025-04-23. Review status: criteria provided, single submitter. Criteria: ACMG Guidelines, 2015. Collection method: clinical testing. Allele origin: germline.
Comment: The DNAH8 c.9427C>T variant is predicted to result in the amino acid substitution p.Arg3143Cys. This variant has been reported in the compound heterozygous state in an individual with spermatogenic failure due to multiple morphological abnormalities of the flagella (MMAF) (Liu et al. 2020. PubMed ID: 32619401). This variant is reported in 0.14% of alleles in individuals of African descent in gnomAD. At this time, the clinical significance of this variant is uncertain due to the absence of conclusive functional and genetic evidence.

Blueprint Genetics
Classification: Uncertain significance. Last evaluated: 2024-11-15. Review status: criteria provided, single submitter. Criteria: ACMG Guidelines, 2015. Collection method: clinical testing. Allele origin: germline.

Breakthrough Genomics
Classification: Uncertain significance. Review status: criteria provided, single submitter. Criteria: ACMG Guidelines, 2015. Collection method: not provided. Allele origin: germline. Inheritance: Autosomal recessive inheritance. Affected: yes.

OMIM
Classification: Pathogenic for SPERMATOGENIC FAILURE 46. Last evaluated: 2020-11-13. Review status: no assertion criteria provided. Collection method: literature only. Allele origin: germline. Not counted in ClinVar's aggregate classification.

Literature cited by the submitters: PubMed 32619401 (cited by Labcorp Genetics (formerly Invitae), Labcorp and OMIM).